The following is an entry in ClinVar:

ClinVar aggregate classification (germline): Uncertain significance. Review status: criteria provided, multiple submitters, no conflicts (2 of 4 stars). 3 submissions from 3 submitters: Uncertain significance (3). Last evaluated 2025-08-06.

Conditions:
3-methylglutaconic aciduria with deafness, encephalopathy, and Leigh-like syndrome (MEGDEL). Also called: 3-METHYLGLUTACONIC ACIDURIA, TYPE VI; MEGDEL syndrome; SERAC1 Deficiency. Identifiers: Orphanet 352328, MedGen C4040739, MONDO:0013875, OMIM 614739.
SERAC1-related disorder. Also called: SERAC1-related disorders; SERAC1-related condition.

Allele frequency attached by ClinVar (database versions not stated): gnomAD exomes 0.00001; TOPMed 0.00001; ExAC 0.00003.
gnomAD v4.1: 18 of 1,613,522 alleles (0.0011%); highest among the groups gnomAD compares: Admixed American, 0.005%; no homozygotes.

Submissions (3):

PreventionGenetics, part of Exact Sciences
Classification: Uncertain significance for SERAC1-related condition. Last evaluated: 2025-08-06. Review status: criteria provided, single submitter. Criteria: ACMG Guidelines, 2015. Collection method: clinical testing. Allele origin: germline.
Comment: The SERAC1 c.1003A>G variant is predicted to result in the amino acid substitution p.Ile335Val. To our knowledge, this variant has not been reported in the literature. This variant is reported in 0.0058% of alleles in individuals of Latino descent in gnomAD. At this time, the clinical significance of this variant is uncertain due to the absence of conclusive functional and genetic evidence.

GeneDx
Classification: Uncertain significance. Last evaluated: 2024-04-18. Review status: criteria provided, single submitter. Criteria: GeneDx Variant Classification Process June 2021. Collection method: clinical testing. Allele origin: germline. Affected: yes.
Comment: Not observed at significant frequency in large population cohorts (gnomAD); In silico analysis indicates that this missense variant does not alter protein structure/function; Has not been previously published as pathogenic or benign to our knowledge

Labcorp Genetics (formerly Invitae), Labcorp
Classification: Uncertain significance for 3-methylglutaconic aciduria with deafness, encephalopathy, and Leigh-like syndrome. Last evaluated: 2022-07-03. Review status: criteria provided, single submitter. Criteria: Invitae Variant Classification Sherloc (09022015). Collection method: clinical testing. Allele origin: germline.
Comment: This sequence change replaces isoleucine, which is neutral and non-polar, with valine, which is neutral and non-polar, at codon 335 of the SERAC1 protein (p.Ile335Val). This variant is present in population databases (rs771696248, gnomAD 0.006%). This variant has not been reported in the literature in individuals affected with SERAC1-related conditions. Algorithms developed to predict the effect of missense changes on protein structure and function are either unavailable or do not agree on the potential impact of this missense change (SIFT: "Tolerated"; PolyPhen-2: "Probably Damaging"; Align-GVGD: "Class C0"). In summary, the available evidence is currently insufficient to determine the role of this variant in disease. Therefore, it has been classified as a Variant of Uncertain Significance.

NM_032861.4(SERAC1):c.1003A>G (p.Ile335Val)

Gene: SERAC1 (serine active site containing 1; minus strand). Cytogenetic location: 6q25.3.
Variant type: single nucleotide variant.
Coding change: c.1003A>G on transcript NM_032861.4 (MANE Select); coding-DNA position 1003, A replaced by G.
Protein change: p.Ile335Val; replaces isoleucine 335 with valine.
Molecular consequence: missense variant. On other transcripts: non-coding transcript variant (1).
Genome position (GRCh38, 1-based): chr6:158,128,120, T>C on the plus strand (A>G on the coding strand, the complement: SERAC1 is on the minus strand). VCF-style: chr6-158128120-T-C. GRCh37 (hg19) VCF-style: chr6-158549152-T-C.
Other names: c.1003A>G (NM_032861.3); short protein forms I335V.
Identifiers: ClinVar variation 2166184 (VCV002166184.3), dbSNP rs771696248, ClinGen allele CA4071220.